The following is an entry in ClinVar:

ClinVar aggregate classification (germline): Uncertain significance (1 of 4 stars; one submission).

Conditions:
Hereditary cancer-predisposing syndrome. Also called: Neoplastic Syndromes, Hereditary; Tumor predisposition; Hereditary Cancer Syndrome; Hereditary neoplastic syndrome. Identifiers: Orphanet 140162, MedGen C0027672, MeSH D009386, MONDO:0015356.

Submission:

Ambry Genetics
Classification: Uncertain significance for Hereditary cancer-predisposing syndrome. Last evaluated: 2025-07-01. Review status: criteria provided, single submitter. Criteria: Ambry Variant Classification Scheme 2023. Collection method: clinical testing. Allele origin: germline.
Comment: The c.1602_1603delGCinsTT variant (also known as p.E534_P535delinsDS), located in coding exon 13 of the TSC1 gene, results from an in-frame deletion of GC and insertion of TT at nucleotide positions 1602 to 1603. This results in the substitution of 2 residues (EP) for 2 new residues (DS) at codons 534 and 535. These amino acid positions are well conserved in available vertebrate species. In addition, this variant is predicted to be neutral by in silico analysis (Choi Y et al. PLoS ONE. 2012; 7(10):e46688). Based on the available evidence, the clinical significance of this variant remains unclear.

NM_000368.5(TSC1):c.1602_1603delinsTT (p.Glu534_Pro535delinsAspSer)

Gene: TSC1 (TSC complex subunit 1; minus strand). Cytogenetic location: 9q34.13.
Variant type: Indel.
Coding change: c.1602_1603delinsTT on transcript NM_000368.5 (MANE Select); coding-DNA positions 1602 to 1603, GC replaced by TT.
Protein change: p.Glu534_Pro535delinsAspSer.
Molecular consequence: missense variant. On other transcripts: non-coding transcript variant (5).
Genome position (GRCh38, 1-based): chr9:132,905,975-132,905,976, GC replaced by AA on the plus strand (GC replaced by TT on the coding strand, the reverse complement: TSC1 is on the minus strand). VCF-style: chr9-132905975-GC-AA. GRCh37 (hg19) VCF-style: chr9-135781362-GC-AA.
Other names: c.1446_1447delinsTT, p.Glu482_Pro483delinsAspSer (NM_001406613.1, NM_001406611.1, NM_001406612.1); c.1239_1240delinsTT, p.Glu413_Pro414delinsAspSer (NM_001406614.1, NM_001406615.1, NM_001406616.1 and 5 more transcripts); c.1236_1237delinsTT, p.Glu412_Pro413delinsAspSer (NM_001406620.1, NM_001406621.1, NM_001406622.1 and 2 more transcripts); c.651_652delinsTT, p.Glu217_Pro218delinsAspSer (NM_001406626.1); c.648_649delinsTT, p.Glu216_Pro217delinsAspSer (NM_001406627.1, NM_001406628.1); c.1599_1600delinsTT, p.Glu533_Pro534delinsAspSer (NM_001162426.2, NM_001406597.1, NM_001406598.1 and 6 more transcripts); c.1449_1450delinsTT, p.Glu483_Pro484delinsAspSer (NM_001162427.2, NM_001406610.1); c.1602_1603delinsTT, p.Glu534_Pro535delinsAspSer (NM_001406592.1, NM_001406593.1, NM_001406594.1 and 7 more transcripts); and 1 more.
Identifiers: ClinVar variation 4192053 (VCV004192053.1).